The following is an entry in ClinVar:

NM_000057.4(BLM):c.4153A>G (p.Thr1385Ala)

Gene: BLM (BLM RecQ like helicase; plus strand). Cytogenetic location: 15q26.1.
Variant type: single nucleotide variant.
Coding change: c.4153A>G on transcript NM_000057.4 (MANE Select); coding-DNA position 4153, A replaced by G.
Protein change: p.Thr1385Ala; replaces threonine 1385 with alanine.
Molecular consequence: missense variant.
Genome position (GRCh38, 1-based): chr15:90,815,178, A>G. VCF-style: chr15-90815178-A-G. GRCh37 (hg19) VCF-style: chr15-91358408-A-G.
Other names: c.4153A>G, p.Thr1385Ala (NM_001287246.2); c.3760A>G, p.Thr1254Ala (NM_001287247.2); c.3028A>G, p.Thr1010Ala (NM_001287248.2); short protein forms T1254A, T1010A, T1385A.
Identifiers: ClinVar variation 1423629 (VCV001423629.10), dbSNP rs1382270916, ClinGen allele CA393852366.

ClinVar aggregate classification (germline): Uncertain significance. Review status: criteria provided, multiple submitters, no conflicts (2 of 4 stars). 2 submissions from 2 submitters: Uncertain significance (2). Last evaluated 2022-10-02.

Conditions:
Bloom syndrome (BLM). Also called: Bloom-Torre-Machacek syndrome. Identifiers: Orphanet 125, MedGen C0005859, MONDO:0008876, OMIM 210900.
Hereditary cancer-predisposing syndrome. Also called: Neoplastic Syndromes, Hereditary; Hereditary Cancer Syndrome; Hereditary neoplastic syndrome; Tumor predisposition. Identifiers: Orphanet 140162, MedGen C0027672, MeSH D009386, MONDO:0015356.

Allele frequency attached by ClinVar (database versions not stated): TOPMed 0.00001.

Submissions (2):

Ambry Genetics
Classification: Uncertain significance for Hereditary cancer-predisposing syndrome. Last evaluated: 2022-10-02. Review status: criteria provided, single submitter. Criteria: Ambry Variant Classification Scheme 2023. Collection method: clinical testing. Allele origin: germline.
Comment: The p.T1385A variant (also known as c.4153A>G), located in coding exon 21 of the BLM gene, results from an A to G substitution at nucleotide position 4153. The threonine at codon 1385 is replaced by alanine, an amino acid with similar properties. This amino acid position is conserved. In addition, this alteration is predicted to be tolerated by in silico analysis. Since supporting evidence is limited at this time, the clinical significance of this alteration remains unclear.

Labcorp Genetics (formerly Invitae), Labcorp
Classification: Uncertain significance for Bloom syndrome. Last evaluated: 2021-06-20. Review status: criteria provided, single submitter. Criteria: Invitae Variant Classification Sherloc (09022015). Collection method: clinical testing. Allele origin: germline.
Comment: In summary, the available evidence is currently insufficient to determine the role of this variant in disease. Therefore, it has been classified as a Variant of Uncertain Significance. Algorithms developed to predict the effect of missense changes on protein structure and function output the following: SIFT: "Tolerated"; PolyPhen-2: "Benign"; Align-GVGD: "Class C0". The alanine amino acid residue is found in multiple mammalian species, suggesting that this missense change does not adversely affect protein function. These predictions have not been confirmed by published functional studies and their clinical significance is uncertain. This variant has not been reported in the literature in individuals with BLM-related conditions. This variant is not present in population databases (ExAC no frequency). This sequence change replaces threonine with alanine at codon 1385 of the BLM protein (p.Thr1385Ala). The threonine residue is weakly conserved and there is a small physicochemical difference between threonine and alanine.